The following is an entry in ClinVar:

ClinVar aggregate classification (germline): Uncertain significance. Review status: criteria provided, multiple submitters, no conflicts (2 of 4 stars). 3 submissions from 3 submitters: Uncertain significance (3). Last evaluated 2024-07-05.

Conditions:
Inborn genetic diseases. Identifiers: MedGen C0950123, MeSH D030342.
Autosomal recessive nonsyndromic hearing loss 8 (DFNB8). Also called: Deafness, autosomal recessive 10; NEUROSENSORY NONSYNDROMIC RECESSIVE DEAFNESS 8. Identifiers: Orphanet 90636, MedGen C1832827, MONDO:0010987, OMIM 601072.

Allele frequency attached by ClinVar (database versions not stated): gnomAD exomes 0.00002 and 0.00007; ExAC 0.00002; gnomAD 0.00001; TOPMed 0.00002; ESP Exome Variant Server 0.00015.
gnomAD v4.1: 100 of 1,613,958 alleles (0.0062%); highest among the groups gnomAD compares: Non-Finnish European, 0.0081%; no homozygotes.

Submissions (3):

GeneDx
Classification: Uncertain significance. Last evaluated: 2024-07-05. Review status: criteria provided, single submitter. Criteria: GeneDx Variant Classification Process June 2021. Collection method: clinical testing. Allele origin: germline. Affected: yes.
Comment: Not observed at significant frequency in large population cohorts (gnomAD); In silico analysis indicates that this missense variant does not alter protein structure/function; Has not been previously published as pathogenic or benign to our knowledge

Ambry Genetics
Classification: Uncertain significance for Inborn genetic diseases. Last evaluated: 2022-12-28. Review status: criteria provided, single submitter. Criteria: Ambry Variant Classification Scheme 2023. Collection method: clinical testing. Allele origin: germline.

Illumina Laboratory Services, Illumina
Classification: Uncertain significance for Autosomal recessive nonsyndromic hearing loss 8. Last evaluated: 2018-01-13. Review status: criteria provided, single submitter. Criteria: ICSL Variant Classification Criteria 13 December 2019. Collection method: clinical testing. Allele origin: germline.

NM_001256317.3(TMPRSS3):c.17C>T (p.Pro6Leu)

Gene: TMPRSS3 (transmembrane serine protease 3; minus strand). Cytogenetic location: 21q22.3.
Variant type: single nucleotide variant.
Coding change: c.17C>T on transcript NM_001256317.3 (MANE Select); coding-DNA position 17, C replaced by T.
Protein change: p.Pro6Leu; replaces proline 6 with leucine.
Molecular consequence: missense variant.
Genome position (GRCh38, 1-based): chr21:42,395,401, G>A on the plus strand (C>T on the coding strand, the complement: TMPRSS3 is on the minus strand). VCF-style: chr21-42395401-G-A. GRCh37 (hg19) VCF-style: chr21-43815510-G-A.
Other names: c.17C>T, p.Pro6Leu (NM_024022.4, NM_032405.2); short protein forms P6L.
Identifiers: ClinVar variation 340061 (VCV000340061.7), dbSNP rs139865555, ClinGen allele CA10042786.